The following is an entry in ClinVar:

NC_000023.10:g.(?_53430478)_(53442138_?)del

Gene: SMC1A (structural maintenance of chromosomes 1A; minus strand). Cytogenetic location: Xp11.22.
Variant type: Deletion.
Identifiers: ClinVar variation 1459972 (VCV001459972.4).

ClinVar aggregate classification (germline): Pathogenic (1 of 4 stars; one submission).

Conditions:
Congenital muscular hypertrophy-cerebral syndrome (CDLS2). Also called: SMC1A-Related Cornelia de Lange Syndrome; Cornelia de Lange syndrome 2. Identifiers: Orphanet 199, MedGen C1802395, MONDO:0010370, OMIM 300590.

Submission:

Labcorp Genetics (formerly Invitae), Labcorp
Classification: Pathogenic for Congenital muscular hypertrophy-cerebral syndrome. Last evaluated: 2021-08-05. Review status: criteria provided, single submitter. Criteria: Invitae Variant Classification Sherloc (09022015). Collection method: clinical testing. Allele origin: germline.
Comment: For these reasons, this variant has been classified as Pathogenic. This variant has not been reported in the literature in individuals affected with SMC1A-related conditions. This variant is a gross deletion of the genomic region encompassing exon(s) 2-15 of the SMC1A gene. This deletion is out-of-frame, and is expected to create a premature translational stop signal and result in an absent or disrupted protein product. Loss-of-function variants in SMC1A are known to be pathogenic (PMID: 26386245, 27334371, 28166369, 28548707, 31334757).

Literature cited by the submitters: PubMed 26386245; PubMed 27334371; PubMed 28166369; PubMed 28548707; PubMed 31334757.